The following is an entry in ClinVar:

ClinVar aggregate classification (germline): Uncertain significance (1 of 4 stars; one submission).

Submission:

GeneDx
Classification: Uncertain significance. Last evaluated: 2022-10-10. Review status: criteria provided, single submitter. Criteria: GeneDx Variant Classification Process June 2021. Collection method: clinical testing. Allele origin: germline. Affected: yes.
Comment: Not observed at significant frequency in large population cohorts (gnomAD); In silico analysis supports that this missense variant has a deleterious effect on protein structure/function; Has not been previously published as pathogenic or benign to our knowledge

NM_017617.5(NOTCH1):c.5525A>G (p.Gln1842Arg)

Gene: NOTCH1 (notch receptor 1; minus strand). Cytogenetic location: 9q34.3.
Variant type: single nucleotide variant.
Coding change: c.5525A>G on transcript NM_017617.5 (MANE Select); coding-DNA position 5525, A replaced by G.
Protein change: p.Gln1842Arg; replaces glutamine 1842 with arginine.
Molecular consequence: missense variant.
Genome position (GRCh38, 1-based): chr9:136,501,861, T>C on the plus strand (A>G on the coding strand, the complement: NOTCH1 is on the minus strand). VCF-style: chr9-136501861-T-C. GRCh37 (hg19) VCF-style: chr9-139396313-T-C.
Other names: short protein forms Q1842R.
Identifiers: ClinVar variation 2499299 (VCV002499299.1), dbSNP rs2133329053, ClinGen allele CA375639293.
Genomic context (GRCh38, chr9:136,501,861, plus strand): 5'-GGTGTGGGGGCCATGGCAGACATGCGCAGGTCAGCGGCATCCAGGTGCTGCTGAGTCCAC[T>C]GCCGGTGGTCTGTCTGGTCGTCCAGGTCAGGCAGAACCACGGGCTCCTCGAACTACATAG-3'
Protein context (NP_060087.3, residues 1832-1852): PDLDDQTDHR[Gln1842Arg]WTQQHLDAAD